The following is an entry in ClinVar:

NM_152564.5(VPS13B):c.8045G>A (p.Arg2682Gln)

Gene: VPS13B (vacuolar protein sorting 13 homolog B; plus strand). Cytogenetic location: 8q22.2.
Variant type: single nucleotide variant.
Coding change: c.8045G>A on transcript NM_152564.5 (MANE Select); coding-DNA position 8045, G replaced by A.
Protein change: p.Arg2682Gln; replaces arginine 2682 with glutamine.
Molecular consequence: missense variant.
Genome position (GRCh38, 1-based): chr8:99,809,478, G>A. VCF-style: chr8-99809478-G-A. GRCh37 (hg19) VCF-style: chr8-100821706-G-A.
Other names: c.8120G>A, p.Arg2707Gln (NM_017890.5); c.8045G>A (NM_152564.4); short protein forms R2682Q, R2707Q.
Identifiers: ClinVar variation 1310451 (VCV001310451.3), dbSNP rs941818698, ClinGen allele CA182322378.

ClinVar aggregate classification (germline): Uncertain significance. Review status: criteria provided, multiple submitters, no conflicts (2 of 4 stars). 2 submissions from 2 submitters: Uncertain significance (2). Last evaluated 2023-06-06.

Conditions:
VPS13B-related disorder. Also called: VPS13B-related condition.

Allele frequency attached by ClinVar (database versions not stated): TOPMed below 0.00001; gnomAD 0.00001; gnomAD exomes below 0.00001.
gnomAD v4.1: 11 of 1,613,890 alleles (0.00068%); highest among the groups gnomAD compares: Admixed American, 0.005%; no homozygotes.

Submissions (2):

PreventionGenetics, part of Exact Sciences
Classification: Uncertain significance for VPS13B-related condition. Last evaluated: 2023-06-06. Review status: criteria provided, single submitter. Criteria: ACMG Guidelines, 2015. Collection method: clinical testing. Allele origin: germline.
Comment: The VPS13B c.8045G>A variant is predicted to result in the amino acid substitution p.Arg2682Gln. To our knowledge, this variant has not been reported in the literature. This variant is reported in 0.0029% of alleles in individuals of Latino descent in gnomAD. At this time, the clinical significance of this variant is uncertain due to the absence of conclusive functional and genetic evidence.

GeneDx
Classification: Uncertain significance. Last evaluated: 2019-11-21. Review status: criteria provided, single submitter. Criteria: GeneDx Variant Classification Process June 2021. Collection method: clinical testing. Allele origin: germline. Affected: yes.
Comment: Not observed at a significant frequency in large population cohorts (Lek et al., 2016); In silico analysis, which includes protein predictors and evolutionary conservation, supports that this variant does not alter protein structure/function; Has not been previously published as pathogenic or benign to our knowledge